The following is an entry in ClinVar:

NM_006514.4(SCN10A):c.3895G>A (p.Gly1299Ser)

Gene: SCN10A (sodium voltage-gated channel alpha subunit 10; minus strand). Cytogenetic location: 3p22.2.
Variant type: single nucleotide variant.
Coding change: c.3895G>A on transcript NM_006514.4 (MANE Select); coding-DNA position 3895, G replaced by A.
Protein change: p.Gly1299Ser; replaces glycine 1299 with serine.
Molecular consequence: missense variant.
Genome position (GRCh38, 1-based): chr3:38,712,355, C>T on the plus strand (G>A on the coding strand, the complement: SCN10A is on the minus strand). VCF-style: chr3-38712355-C-T. GRCh37 (hg19) VCF-style: chr3-38753846-C-T.
Other names: c.3892G>A, p.Gly1298Ser (NM_001293306.2); c.3601G>A, p.Gly1201Ser (NM_001293307.2); short protein forms G1299S, G1201S, G1298S.
Identifiers: ClinVar variation 1735934 (VCV001735934.3), dbSNP rs938377844, ClinGen allele CA72950512.

ClinVar aggregate classification (germline): Uncertain significance (1 of 4 stars; one submission).

Conditions:
Cardiovascular phenotype. Identifiers: MedGen CN230736.

Allele frequency attached by ClinVar (database versions not stated): gnomAD exomes 0.00001; TOPMed below 0.00001.
gnomAD v4.1: 3 of 1,614,116 alleles (0.00019%); highest among the groups gnomAD compares: Admixed American, 0.0017%; no homozygotes.

Submission:

Ambry Genetics
Classification: Uncertain significance for Cardiovascular phenotype. Last evaluated: 2025-05-10. Review status: criteria provided, single submitter. Criteria: Ambry Variant Classification Scheme 2023. Collection method: clinical testing. Allele origin: germline.
Comment: The p.G1299S variant (also known as c.3895G>A), located in coding exon 22 of the SCN10A gene, results from a G to A substitution at nucleotide position 3895. The glycine at codon 1299 is replaced by serine, an amino acid with similar properties. This amino acid position is highly conserved in available vertebrate species. In addition, this alteration is predicted to be deleterious by in silico analysis. Since supporting evidence is limited at this time, the clinical significance of this alteration remains unclear.